The following is an entry in ClinVar:

NM_014946.4(SPAST):c.911del (p.Pro304fs)

Gene: SPAST (spastin; plus strand). Cytogenetic location: 2p22.3.
Variant type: Deletion.
Coding change: c.911del on transcript NM_014946.4 (MANE Select); coding-DNA position 911, one base deleted (C; older notation c.911delC).
Protein change: p.Pro304fs; shifts the reading frame from proline 304.
Molecular consequence: frameshift variant.
Genome position (GRCh38, 1-based): chr2:32,115,742, C deleted; the last of 4 consecutive C bases (chr2:32,115,739-32,115,742); deleting any one gives the same sequence. VCF-style (leftmost placement, unchanged base first): chr2-32115738-AC-A. GRCh37 (hg19) VCF-style: chr2-32340807-AC-A.
Other names: c.908del, p.Pro303fs (NM_001363823.2); c.812del, p.Pro271fs (NM_001363875.2); c.815del, p.Pro272fs (NM_001377959.1, NM_199436.2); c.911del (NM_014946.3); short protein forms P271fs, P272fs, P303fs, P304fs.
Identifiers: ClinVar variation 1704306 (VCV001704306.4), dbSNP rs1553315188, ClinGen allele CA923726285.

ClinVar aggregate classification (germline): Pathogenic. Review status: criteria provided, single submitter (1 of 4 stars). 3 submissions from 3 submitters: Pathogenic (1). 2 of the submissions do not count toward it. Last evaluated 2022-07-28.

Conditions:
Hereditary spastic paraplegia 4. Also called: Spastic Paraplegia 4; Spastic paraplegia 4, autosomal dominant; Familial spastic paraplegia autosomal dominant 2. Identifiers: Orphanet 100985, MedGen C1866855, MONDO:0008438, OMIM 182601.

Submissions (3):

Athena Diagnostics
Classification: Pathogenic. Last evaluated: 2022-07-28. Review status: criteria provided, single submitter. Criteria: Athena Diagnostics Criteria. Collection method: clinical testing. Allele origin: unknown.

Concord Molecular Medicine Laboratory, Concord Repatriation General Hospital
Classification: Pathogenic for Hereditary spastic paraplegia 4. Last evaluated: 2022-09-08. Review status: no assertion criteria provided. Collection method: clinical testing. Allele origin: germline. Inheritance: Autosomal dominant inheritance. Affected: yes. Not counted in ClinVar's aggregate classification.
Comment: The c.911del predicts a frameshift variation and the formation of a premature stop codon, p.(Pro304Leuf*11). This variant has not been observed in population database (gnomAD). Truncation in SPAST is a known mechanism of disease and multiple truncations distal to amino acid position 304 have been reported to cause HSP (PMID: 30476002). The variant segregated with phenotype in multiple individuals within the family. The current evidence available allows a classification of this single nucleotide deletion as “Pathogenic” (ACMG criteria: PVS1, PM2-supporting, PP1-supporting).

Solve-RD Consortium
Classification: Likely pathogenic for Hereditary spastic paraplegia 4. Last evaluated: 2022-06-01. Review status: no assertion criteria provided. Collection method: provider interpretation. Allele origin: inherited. Affected: yes. Not counted in ClinVar's aggregate classification.
Comment: Variant confirmed as disease-causing by referring clinical team

Variant identified during reanalysis of unsolved cases by the Solve-RD project. The Solve-RD project has received funding from the European Union’s Horizon 2020 research and innovation programme under grant agreement No 779257.

Literature cited by the submitters: PubMed 12124993 (cited by Athena Diagnostics); PubMed 39825153 (cited by Solve-RD Consortium).